The following is an entry in ClinVar:

NC_000010.10:g.(?_78844375)_(78846371_?)del

Gene: KCNMA1 (potassium calcium-activated channel subfamily M alpha 1; minus strand). Cytogenetic location: 10q22.3.
Variant type: Deletion.
Identifiers: ClinVar variation 2424380 (VCV002424380.6).

ClinVar aggregate classification (germline): Uncertain significance (1 of 4 stars; one submission).

Conditions:
Generalized epilepsy-paroxysmal dyskinesia syndrome (PNKD3). Also called: Paroxysmal nonkinesigenic dyskinesia, 3, with or without generalized epilepsy; Generalized epilepsy and paroxysmal dyskinesia. Identifiers: Orphanet 79137, MedGen C5574945, MONDO:0012276, OMIM 609446.

Submission:

Labcorp Genetics (formerly Invitae), Labcorp
Classification: Uncertain significance for Generalized epilepsy-paroxysmal dyskinesia syndrome. Last evaluated: 2021-12-24. Review status: criteria provided, single submitter. Criteria: Invitae Variant Classification Sherloc (09022015). Collection method: clinical testing. Allele origin: germline.
Comment: In summary, the available evidence is currently insufficient to determine the role of this variant in disease. Therefore, it has been classified as a Variant of Uncertain Significance. Experimental studies and prediction algorithms are not available or were not evaluated, and the functional significance of this variant is currently unknown. This variant has not been reported in the literature in individuals affected with KCNMA1-related conditions. This variant is a gross deletion of the genomic region encompassing exon(s) 11-12 of the KCNMA1 gene. This variant would be expected to be in-frame, preserving the integrity of the reading frame.